The following is an entry in ClinVar:

NM_182914.3(SYNE2):c.20718dup (p.Thr6907fs)

Gene: SYNE2 (spectrin repeat containing nuclear envelope protein 2; plus strand). Cytogenetic location: 14q23.2.
Variant type: Duplication.
Coding change: c.20718dup on transcript NM_182914.3 (MANE Select); coding-DNA position 20718, one base duplicated (C; older notation c.20718dupC).
Protein change: p.Thr6907fs; shifts the reading frame from threonine 6907.
Molecular consequence: frameshift variant.
Genome position (GRCh38, 1-based): chr14:64,225,520, C duplicated; the last of 6 consecutive C bases (chr14:64,225,515-64,225,520); duplicating any one gives the same sequence. VCF-style (leftmost placement, unchanged base first): chr14-64225514-A-AC. GRCh37 (hg19) VCF-style: chr14-64692232-A-AC.
Other names: c.20652dup, p.Thr6885fs (NM_015180.6); c.1284dup, p.Thr429fs (NM_182910.2); c.1665dup, p.Thr556fs (NM_182913.4); short protein forms T556fs, T429fs, T6885fs, T6907fs.
Identifiers: ClinVar variation 2906957 (VCV002906957.3), dbSNP rs770058729, ClinGen allele CA7225002.

ClinVar aggregate classification (germline): Uncertain significance (1 of 4 stars; one submission).

Conditions:
Emery-Dreifuss muscular dystrophy 5, autosomal dominant (EDMD5). Also called: EMERY-DREIFUSS MUSCULAR DYSTROPHY 5. Identifiers: Orphanet 261, MedGen C2751805, MONDO:0013072, OMIM 612999.

Submission:

Labcorp Genetics (formerly Invitae), Labcorp
Classification: Uncertain significance for Emery-Dreifuss muscular dystrophy 5, autosomal dominant. Last evaluated: 2023-12-23. Review status: criteria provided, single submitter. Criteria: Invitae Variant Classification Sherloc (09022015). Collection method: clinical testing. Allele origin: germline.
Comment: This sequence change results in a frameshift in the SYNE2 gene (p.Thr6907Hisfs*15). While this is not anticipated to result in nonsense mediated decay, it is expected to disrupt the last 1 amino acid(s) of the SYNE2 protein and extend the protein by 13 additional amino acid residues. This variant is present in population databases (rs770058729, gnomAD 0.002%). This variant has not been reported in the literature in individuals affected with SYNE2-related conditions. In summary, the available evidence is currently insufficient to determine the role of this variant in disease. Therefore, it has been classified as a Variant of Uncertain Significance.